The following is an entry in ClinVar:

NM_000059.4(BRCA2):c.2485A>T (p.Lys829Ter)

Gene: BRCA2 (BRCA2 DNA repair associated; plus strand). Cytogenetic location: 13q13.1.
Variant type: single nucleotide variant.
Coding change: c.2485A>T on transcript NM_000059.4 (MANE Select); coding-DNA position 2485, A replaced by T.
Protein change: p.Lys829Ter; replaces lysine 829 with a stop codon.
Molecular consequence: nonsense.
Genome position (GRCh38, 1-based): chr13:32,336,840, A>T. VCF-style: chr13-32336840-A-T. GRCh37 (hg19) VCF-style: chr13-32910977-A-T.
Other names: c.2485A>T, p.Lys829Ter (NM_001406719.1, NM_001406720.1); short protein forms K829*.
Identifiers: ClinVar variation 1791977 (VCV001791977.3), dbSNP rs1270048702, ClinGen allele CA387772395.
Genomic context (GRCh38, chr13:32,336,840, plus strand): 5'-TTAACCAAAAATATTCCCATGGAAAAGAATCAAGATGTATGTGCTTTAAATGAAAATTAT[A>T]AAAACGTTGAGCTGTTGCCACCTGAAAAATACATGAGAGTAGCATCACCTTCAAGAAAGG-3'

ClinVar aggregate classification (germline): Pathogenic (1 of 4 stars; one submission).

Conditions:
Hereditary cancer-predisposing syndrome. Also called: Hereditary Cancer Syndrome; Hereditary neoplastic syndrome; Tumor predisposition; Neoplastic Syndromes, Hereditary. Identifiers: Orphanet 140162, MedGen C0027672, MeSH D009386, MONDO:0015356.

Submission:

Ambry Genetics
Classification: Pathogenic for Hereditary cancer-predisposing syndrome. Last evaluated: 2025-10-20. Review status: criteria provided, single submitter. Criteria: Ambry Variant Classification Scheme 2023. Collection method: clinical testing. Allele origin: germline.
Comment: The p.K829* pathogenic mutation (also known as c.2485A>T), located in coding exon 10 of the BRCA2 gene, results from an A to T substitution at nucleotide position 2485. This changes the amino acid from a lysine to a stop codon within coding exon 10. This variant is considered to be rare based on population cohorts in the Genome Aggregation Database (gnomAD). This alteration is expected to result in loss of function by premature protein truncation or nonsense-mediated mRNA decay. As such, this alteration is interpreted as a disease-causing mutation.